The following is an entry in ClinVar:

NM_018082.6(POLR3B):c.1372C>T (p.Gln458Ter)

Gene: POLR3B (RNA polymerase III subunit B; plus strand). Cytogenetic location: 12q23.3.
Variant type: single nucleotide variant.
Coding change: c.1372C>T on transcript NM_018082.6 (MANE Select); coding-DNA position 1372, C replaced by T.
Protein change: p.Gln458Ter; replaces glutamine 458 with a stop codon.
Molecular consequence: nonsense.
Genome position (GRCh38, 1-based): chr12:106,430,381, C>T. VCF-style: chr12-106430381-C-T. GRCh37 (hg19) VCF-style: chr12-106824159-C-T.
Other names: c.1198C>T, p.Gln400Ter (NM_001160708.2); short protein forms Q400*, Q458*.
Identifiers: ClinVar variation 5036915 (VCV005036915.1).

ClinVar aggregate classification (germline): Likely pathogenic (1 of 4 stars; one submission).

gnomAD v4.1: 2 of 1,614,006 alleles (0.00012%); highest among the groups gnomAD compares: African/African-American, 0.0013%; no homozygotes.

Submission:

GeneDx
Classification: Likely pathogenic. Last evaluated: 2026-04-15. Review status: criteria provided, single submitter. Criteria: GeneDx Variant Classification Process June 2021. Collection method: clinical testing. Allele origin: germline.
Comment: Nonsense variant predicted to result in protein truncation or nonsense mediated decay in a gene for which loss of function is a known mechanism of disease; Not observed at significant frequency in large population cohorts (gnomAD); Has not been previously published as pathogenic or benign to our knowledge